The following is an entry in ClinVar:

ClinVar aggregate classification (germline): Uncertain significance. Review status: criteria provided, multiple submitters, no conflicts (2 of 4 stars). 2 submissions from 2 submitters: Uncertain significance (2). Last evaluated 2024-12-23.

Conditions:
Hereditary cancer-predisposing syndrome. Also called: Neoplastic Syndromes, Hereditary; Hereditary Cancer Syndrome; Hereditary neoplastic syndrome; Tumor predisposition. Identifiers: Orphanet 140162, MedGen C0027672, MeSH D009386, MONDO:0015356.
Multiple endocrine neoplasia, type 2 (MEN2). Identifiers: Orphanet 653, MedGen C4048306, MONDO:0019003. Disease mechanism: gain of function.

Submissions (2):

Labcorp Genetics (formerly Invitae), Labcorp
Classification: Uncertain significance for Multiple endocrine neoplasia, type 2. Last evaluated: 2024-12-23. Review status: criteria provided, single submitter. Criteria: Invitae Variant Classification Sherloc (09022015). Collection method: clinical testing. Allele origin: germline.
Comment: This sequence change replaces leucine, which is neutral and non-polar, with methionine, which is neutral and non-polar, at codon 68 of the RET protein (p.Leu68Met). This variant is not present in population databases (gnomAD no frequency). This variant has not been reported in the literature in individuals affected with RET-related conditions. ClinVar contains an entry for this variant (Variation ID: 1060415). An algorithm developed to predict the effect of missense changes on protein structure and function (PolyPhen-2) suggests that this variant is likely to be disruptive. In summary, the available evidence is currently insufficient to determine the role of this variant in disease. Therefore, it has been classified as a Variant of Uncertain Significance.

Ambry Genetics
Classification: Uncertain significance for Hereditary cancer-predisposing syndrome. Last evaluated: 2024-01-03. Review status: criteria provided, single submitter. Criteria: Ambry Variant Classification Scheme 2023. Collection method: clinical testing. Allele origin: germline.
Comment: The p.L68M variant (also known as c.202C>A), located in coding exon 2 of the RET gene, results from a C to A substitution at nucleotide position 202. The leucine at codon 68 is replaced by methionine, an amino acid with highly similar properties. This amino acid position is conserved. In addition, the in silico prediction for this alteration is inconclusive. Since supporting evidence is limited at this time, the clinical significance of this alteration remains unclear.

NM_020975.6(RET):c.202C>A (p.Leu68Met)

Gene: RET (ret proto-oncogene; plus strand). Cytogenetic location: 10q11.21.
Variant type: single nucleotide variant.
Coding change: c.202C>A on transcript NM_020975.6 (MANE Select); coding-DNA position 202, C replaced by A.
Protein change: p.Leu68Met; replaces leucine 68 with methionine.
Molecular consequence: missense variant.
Genome position (GRCh38, 1-based): chr10:43,100,587, C>A. VCF-style: chr10-43100587-C-A. GRCh37 (hg19) VCF-style: chr10-43596035-C-A.
Other names: c.202C>A, p.Leu68Met (NM_000323.2, NM_001406743.1, NM_001406744.1 and 34 more transcripts); short protein forms L68M.
Identifiers: ClinVar variation 1060415 (VCV001060415.11), dbSNP rs1588862565, ClinGen allele CA376770301.